The following is an entry in ClinVar:

NM_080425.4(GNAS):c.415A>G (p.Met139Val)

Gene: GNAS (GNAS complex locus; plus strand). Cytogenetic location: 20q13.32.
Variant type: single nucleotide variant.
Coding change: c.415A>G on transcript NM_080425.4 (MANE Plus Clinical); coding-DNA position 415, A replaced by G.
Protein change: p.Met139Val; replaces methionine 139 with valine.
Molecular consequence: missense variant. On other transcripts: synonymous variant (2), intron variant (3).
Genome position (GRCh38, 1-based): chr20:58,853,680, A>G. VCF-style: chr20-58853680-A-G. GRCh37 (hg19) VCF-style: chr20-57428735-A-G.
Other names: c.228A>G, p.Ser76= (NM_001077490.3, NM_001309883.1); c.415A>G, p.Met139Val (NM_001410913.1); c.*42+12794A>G (NM_016592.5); c.43+12794A>G (NM_001410912.1); c.-39+11805A>G (NM_001309861.2); short protein forms M139V.
Identifiers: ClinVar variation 4995936 (VCV004995936.1).
Genomic context (GRCh38, chr20:58,853,680, plus strand): 5'-GAGCAGCCTGGATTCCCCAGTGGGGTCCATGCAGGCCTTGAGGCCTTCGGCCCAGCACTC[A>G]TGGAGCCCGGAGCCTTCAGTGGTGCCAGACCAGGCCTGGGAGGATACAGCCCTCCACCAG-3'
Protein context (NP_536350.2, residues 129-149): AGLEAFGPAL[Met139Val]EPGAFSGARP

ClinVar aggregate classification (germline): Uncertain significance (1 of 4 stars; one submission).

Conditions:
GNAS-related disorder. Identifiers: MedGen CN380105.

gnomAD v4.1: 2 of 1,613,720 alleles (0.00012%); highest among the groups gnomAD compares: Non-Finnish European, 0.00017%; no homozygotes.

Submission:

PreventionGenetics, part of Exact Sciences
Classification: Uncertain significance for GNAS-related condition. Last evaluated: 2025-10-15. Review status: criteria provided, single submitter. Criteria: ACMG Guidelines, 2015. Collection method: clinical testing. Allele origin: germline.
Comment: The GNAS c.415A>G variant is predicted to result in the amino acid substitution p.Met139Val. This variant is a missense variant referred to as c.415A>G (p.Met139Val) in the alternate transcript NM_080425.3. To our knowledge, this variant has not been reported in the literature or in a large population database (gnomAD), indicating this variant is rare. At this time, the clinical significance of this variant is uncertain due to the absence of conclusive functional and genetic evidence.